The following is an entry in ClinVar:

ClinVar aggregate classification (germline): Uncertain significance (1 of 4 stars; one submission).

Conditions:
Hereditary cancer-predisposing syndrome. Also called: Neoplastic Syndromes, Hereditary; Tumor predisposition; Hereditary Cancer Syndrome; Hereditary neoplastic syndrome. Identifiers: Orphanet 140162, MedGen C0027672, MeSH D009386, MONDO:0015356.

Submission:

Ambry Genetics
Classification: Uncertain significance for Hereditary cancer-predisposing syndrome. Last evaluated: 2026-01-06. Review status: criteria provided, single submitter. Criteria: Ambry Variant Classification Scheme 2023. Collection method: clinical testing. Allele origin: germline.
Comment: The p.E78K variant (also known as c.232G>A), located in coding exon 3 of the PMS2 gene, results from a G to A substitution at nucleotide position 232. The glutamic acid at codon 78 is replaced by lysine, an amino acid with similar properties. This amino acid position is conserved. In addition, this alteration is predicted to be tolerated by in silico analysis. Based on the available evidence, the clinical significance of this variant remains unclear.

NM_000535.7(PMS2):c.232G>A (p.Glu78Lys)

Gene: PMS2 (PMS1 homolog 2, mismatch repair system component; minus strand). Cytogenetic location: 7p22.1.
Variant type: single nucleotide variant.
Coding change: c.232G>A on transcript NM_000535.7 (MANE Select); coding-DNA position 232, G replaced by A.
Protein change: p.Glu78Lys; replaces glutamic acid 78 with lysine.
Molecular consequence: missense variant. On other transcripts: 5 prime UTR variant (37), non-coding transcript variant (1), intron variant (1).
Genome position (GRCh38, 1-based): chr7:6,003,990, C>T on the plus strand (G>A on the coding strand, the complement: PMS2 is on the minus strand). VCF-style: chr7-6003990-C-T. GRCh37 (hg19) VCF-style: chr7-6043621-C-T.
Other names: c.-174G>A (NM_001322003.2, NM_001322004.2, NM_001322005.2 and 13 more transcripts); c.232G>A, p.Glu78Lys (NM_001322006.2, NM_001322014.2, NM_001406868.1 and 10 more transcripts); c.17G>A, p.Arg6Lys (NM_001322007.2, NM_001322008.2, NM_001406876.1 and 4 more transcripts); c.-653G>A (NM_001322011.2, NM_001322012.2); c.-253G>A (NM_001322015.2, NM_001406875.1, NM_001406877.1 and 3 more transcripts); c.418G>A, p.Glu140Lys (NM_001406866.1); c.-200G>A (NM_001406880.1); c.-150G>A (NM_001406881.1, NM_001406900.1); and 3 more; short protein forms E140K, R6K, E78K.
Identifiers: ClinVar variation 4842996 (VCV004842996.1).